The following is an entry in ClinVar:

ClinVar aggregate classification (germline): Uncertain significance. Review status: criteria provided, multiple submitters, no conflicts (2 of 4 stars). 3 submissions from 3 submitters: Uncertain significance (3). Last evaluated 2025-05-28.

Conditions:
Inborn genetic diseases. Identifiers: MedGen C0950123, MeSH D030342.
Autosomal dominant nonsyndromic hearing loss 4A. Also called: Deafness, autosomal dominant 4A. Identifiers: Orphanet 90635, MedGen C1833503, MONDO:0010915, OMIM 600652.

Allele frequency attached by ClinVar (database versions not stated): gnomAD 0.00002; TOPMed 0.00002; gnomAD exomes 0.00003 and 0.00005; ExAC 0.00004.
gnomAD v4.1: 78 of 1,612,504 alleles (0.0048%); highest among the groups gnomAD compares: Non-Finnish European, 0.0059%; no homozygotes.

Submissions (3):

Ambry Genetics
Classification: Uncertain significance for Inborn genetic diseases. Last evaluated: 2025-05-28. Review status: criteria provided, single submitter. Criteria: Ambry Variant Classification Scheme 2023. Collection method: clinical testing. Allele origin: germline.

GeneDx
Classification: Uncertain significance. Last evaluated: 2024-06-18. Review status: criteria provided, single submitter. Criteria: GeneDx Variant Classification Process June 2021. Collection method: clinical testing. Allele origin: germline. Affected: yes.
Comment: In silico analysis supports that this missense variant has a deleterious effect on protein structure/function; Has not been previously published as pathogenic or benign to our knowledge

Illumina Laboratory Services, Illumina
Classification: Uncertain significance for Autosomal dominant nonsyndromic hearing loss 4A. Last evaluated: 2018-01-12. Review status: criteria provided, single submitter. Criteria: ICSL Variant Classification Criteria 13 December 2019. Collection method: clinical testing. Allele origin: germline.

NM_001145809.2(MYH14):c.4610G>A (p.Arg1537Gln)

Gene: MYH14 (myosin heavy chain 14; plus strand). Cytogenetic location: 19q13.33.
Variant type: single nucleotide variant.
Coding change: c.4610G>A on transcript NM_001145809.2 (MANE Select); coding-DNA position 4610, G replaced by A.
Protein change: p.Arg1537Gln; replaces arginine 1537 with glutamine.
Molecular consequence: missense variant.
Genome position (GRCh38, 1-based): chr19:50,286,552, G>A. VCF-style: chr19-50286552-G-A. GRCh37 (hg19) VCF-style: chr19-50789809-G-A.
Other names: c.4511G>A, p.Arg1504Gln (NM_001077186.2); c.4487G>A, p.Arg1496Gln (NM_024729.4); short protein forms R1496Q, R1537Q, R1504Q.
Identifiers: ClinVar variation 329941 (VCV000329941.8), dbSNP rs752388019, ClinGen allele CA9593557.